The following is an entry in ClinVar:

ClinVar aggregate classification (germline): Uncertain significance (1 of 4 stars; one submission).

Submission:

Labcorp Genetics (formerly Invitae), Labcorp
Classification: Uncertain significance. Last evaluated: 2025-10-28. Review status: criteria provided, single submitter. Criteria: Invitae Variant Classification Sherloc (09022015). Collection method: clinical testing. Allele origin: germline.
Comment: This sequence change replaces valine, which is neutral and non-polar, with isoleucine, which is neutral and non-polar, at codon 440 of the HIVEP2 protein (p.Val440Ile). This variant is not present in population databases (gnomAD no frequency). This variant has not been reported in the literature in individuals affected with HIVEP2-related conditions. Invitae Evidence Modeling of protein sequence and biophysical properties (such as structural, functional, and spatial information, amino acid conservation, physicochemical variation, residue mobility, and thermodynamic stability) indicates that this missense variant is not expected to disrupt HIVEP2 protein function with a negative predictive value of 80%. In summary, the available evidence is currently insufficient to determine the role of this variant in disease. Therefore, it has been classified as a Variant of Uncertain Significance.

NM_006734.4(HIVEP2):c.1318G>A (p.Val440Ile)

Gene: HIVEP2 (HIVEP zinc finger 2; minus strand). Cytogenetic location: 6q24.2.
Variant type: single nucleotide variant.
Coding change: c.1318G>A on transcript NM_006734.4 (MANE Select); coding-DNA position 1318, G replaced by A.
Protein change: p.Val440Ile; replaces valine 440 with isoleucine.
Molecular consequence: missense variant.
Genome position (GRCh38, 1-based): chr6:142,773,421, C>T on the plus strand (G>A on the coding strand, the complement: HIVEP2 is on the minus strand). VCF-style: chr6-142773421-C-T. GRCh37 (hg19) VCF-style: chr6-143094558-C-T.
Other names: c.1318G>A, p.Val440Ile (NM_001438449.1, NM_001438450.1, NM_001438451.1); short protein forms V440I.
Identifiers: ClinVar variation 4743886 (VCV004743886.1).
Genomic context (GRCh38, chr6:142,773,421, plus strand): 5'-GTAATGGTTCCATTATGCCCTTCCTACCCATTGCGGCACGCTCCTGACTTGTGGTTGTAA[C>T]ACTGAGTGCATTTCTCGGACTAAGCCGACAGTATTTTCCAAAGATGATTTCTTCATAAGA-3'
Protein context (NP_006725.3, residues 430-450): CRLSPRNALS[Val440Ile]TTTSQERAAM